The following is an entry in ClinVar:

NM_000441.2(SLC26A4):c.732C>G (p.Thr244=)

Gene: SLC26A4 (solute carrier family 26 member 4; plus strand). Cytogenetic location: 7q22.3.
Variant type: single nucleotide variant.
Coding change: c.732C>G on transcript NM_000441.2 (MANE Select); coding-DNA position 732, C replaced by G.
Protein change: p.Thr244=; no amino-acid change (threonine 244 retained).
Molecular consequence: synonymous variant.
Genome position (GRCh38, 1-based): chr7:107,675,076, C>G. VCF-style: chr7-107675076-C-G. GRCh37 (hg19) VCF-style: chr7-107315521-C-G.
Other names: c.732C>G (NM_000441.1).
Identifiers: ClinVar variation 1568645 (VCV001568645.8), dbSNP rs2129311968, ClinGen allele CA457082597.

ClinVar aggregate classification (germline): Conflicting classifications of pathogenicity. Review status: criteria provided, conflicting classifications (1 of 4 stars). 2 submissions from 2 submitters: Uncertain significance (1); Likely benign (1). Last evaluated 2023-02-15.

Submissions (2):

GeneDx
Classification: Uncertain significance. Last evaluated: 2023-02-15. Review status: criteria provided, single submitter. Criteria: GeneDx Variant Classification Process June 2021. Collection method: clinical testing. Allele origin: germline. Affected: yes.
Comment: Not observed at significant frequency in large population cohorts (gnomAD); In silico analysis supports that this variant does not alter splicing; Has not been previously published as pathogenic or benign to our knowledge

Labcorp Genetics (formerly Invitae), Labcorp
Classification: Likely benign. Last evaluated: 2021-07-26. Review status: criteria provided, single submitter. Criteria: Invitae Variant Classification Sherloc (09022015). Collection method: clinical testing. Allele origin: germline.